The following is an entry in ClinVar:

NM_000038.6(APC):c.8504C>G (p.Ser2835Cys)

Gene: APC (APC regulator of Wnt signaling pathway; plus strand). Cytogenetic location: 5q22.2.
Variant type: single nucleotide variant.
Coding change: c.8504C>G on transcript NM_000038.6 (MANE Select); coding-DNA position 8504, C replaced by G.
Protein change: p.Ser2835Cys; replaces serine 2835 with cysteine.
Molecular consequence: missense variant.
Genome position (GRCh38, 1-based): chr5:112,844,098, C>G. VCF-style: chr5-112844098-C-G. GRCh37 (hg19) VCF-style: chr5-112179795-C-G.
Other names: c.7352C>G, p.Ser2451Cys (NM_001407472.1, NM_001407471.1); c.7655C>G, p.Ser2552Cys (NM_001407470.1, NM_001354906.2); c.8504C>G, p.Ser2835Cys (NM_001127510.3, NM_001354895.2, NM_001407450.1); c.8450C>G, p.Ser2817Cys (NM_001127511.3); c.8558C>G, p.Ser2853Cys (NM_001354896.2, NM_001407447.1, NM_001407448.1 and 1 more transcripts); c.8534C>G, p.Ser2845Cys (NM_001354897.2); c.8429C>G, p.Ser2810Cys (NM_001354898.2); c.8420C>G, p.Ser2807Cys (NM_001354899.2); and 11 more; short protein forms S2807C, S2817C, S2853C, S2863C, S2552C, S2706C, S2810C, S2828C.
Identifiers: ClinVar variation 1763662 (VCV001763662.4), dbSNP rs2150006590, ClinGen allele CA16039780.
Genomic context (GRCh38, chr5:112,844,098, plus strand): 5'-AGCGAGATTCCAAAACTGACAGCACAGAATCCAGTGGAACCCAAAGTCCTAAGCGCCATT[C>G]TGGGTCTTACCTTGTGACATCTGTTTAAAAGAGAGGAAGAATGAAACTAAGAAAATTCTA-3'
Protein context (NP_000029.2, residues 2825-2843): SSGTQSPKRH[Ser2835Cys]GSYLVTSV

ClinVar aggregate classification (germline): Uncertain significance. Review status: criteria provided, multiple submitters, no conflicts (2 of 4 stars). 2 submissions from 2 submitters: Uncertain significance (2). Last evaluated 2025-05-11.

Conditions:
Hereditary cancer-predisposing syndrome. Also called: Neoplastic Syndromes, Hereditary; Tumor predisposition; Hereditary Cancer Syndrome; Hereditary neoplastic syndrome. Identifiers: Orphanet 140162, MedGen C0027672, MeSH D009386, MONDO:0015356.
Familial adenomatous polyposis 1 (FAP1). Also called: FAMILIAL ADENOMATOUS POLYPOSIS 1, ATTENUATED; POLYPOSIS, ADENOMATOUS INTESTINAL. Identifiers: MedGen C2713442, MONDO:0021056, OMIM 175100. Disease mechanism: loss of function.

Submissions (2):

Labcorp Genetics (formerly Invitae), Labcorp
Classification: Uncertain significance for Familial adenomatous polyposis 1. Last evaluated: 2025-05-11. Review status: criteria provided, single submitter. Criteria: Invitae Variant Classification Sherloc (09022015). Collection method: clinical testing. Allele origin: germline.
Comment: This sequence change replaces serine, which is neutral and polar, with cysteine, which is neutral and slightly polar, at codon 2835 of the APC protein (p.Ser2835Cys). This variant is not present in population databases (gnomAD no frequency). This variant has not been reported in the literature in individuals affected with APC-related conditions. ClinVar contains an entry for this variant (Variation ID: 1763662). Invitae Evidence Modeling of protein sequence and biophysical properties (such as structural, functional, and spatial information, amino acid conservation, physicochemical variation, residue mobility, and thermodynamic stability) indicates that this missense variant is not expected to disrupt APC protein function with a negative predictive value of 95%. In summary, the available evidence is currently insufficient to determine the role of this variant in disease. Therefore, it has been classified as a Variant of Uncertain Significance.

Ambry Genetics
Classification: Uncertain significance for Hereditary cancer-predisposing syndrome. Last evaluated: 2021-05-06. Review status: criteria provided, single submitter. Criteria: Ambry Variant Classification Scheme 2023. Collection method: clinical testing. Allele origin: germline.
Comment: The p.S2835C variant (also known as c.8504C>G), located in coding exon 15 of the APC gene, results from a C to G substitution at nucleotide position 8504. The serine at codon 2835 is replaced by cysteine, an amino acid with dissimilar properties. This amino acid position is highly conserved in available vertebrate species. In addition, in silico predictors for this gene do not accurately predict pathogenicity. Since supporting evidence is limited at this time, the clinical significance of this alteration remains unclear.